The following is an entry in ClinVar:

ClinVar aggregate classification (germline): Uncertain significance (1 of 4 stars; one submission).

Conditions:
Hereditary cancer-predisposing syndrome. Also called: Neoplastic Syndromes, Hereditary; Tumor predisposition; Hereditary Cancer Syndrome; Hereditary neoplastic syndrome. Identifiers: Orphanet 140162, MedGen C0027672, MeSH D009386, MONDO:0015356.

gnomAD v4.1: 1 of 1,614,190 alleles (0.000062%); highest among the groups gnomAD compares: Non-Finnish European, 0.000085%; no homozygotes.

Submission:

Ambry Genetics
Classification: Uncertain significance for Hereditary cancer-predisposing syndrome. Last evaluated: 2026-03-03. Review status: criteria provided, single submitter. Criteria: Ambry Variant Classification Scheme 2023. Collection method: clinical testing. Allele origin: germline.
Comment: The p.N1093D variant (also known as c.3277A>G), located in coding exon 20 of the ALK gene, results from an A to G substitution at nucleotide position 3277. The asparagine at codon 1093 is replaced by aspartic acid, an amino acid with highly similar properties. This amino acid position is conserved. In addition, the in silico prediction for this alteration is inconclusive. Based on the available evidence, the clinical significance of this variant remains unclear.

NM_004304.5(ALK):c.3277A>G (p.Asn1093Asp)

Gene: ALK (ALK receptor tyrosine kinase; minus strand). Cytogenetic location: 2p23.2.
Variant type: single nucleotide variant.
Coding change: c.3277A>G on transcript NM_004304.5 (MANE Select); coding-DNA position 3277, A replaced by G.
Protein change: p.Asn1093Asp; replaces asparagine 1093 with aspartic acid.
Molecular consequence: missense variant.
Genome position (GRCh38, 1-based): chr2:29,223,424, T>C on the plus strand (A>G on the coding strand, the complement: ALK is on the minus strand). VCF-style: chr2-29223424-T-C. GRCh37 (hg19) VCF-style: chr2-29446290-T-C.
Other names: c.73A>G, p.Asn25Asp (NM_001353765.2); short protein forms N1093D, N25D.
Identifiers: ClinVar variation 4827104 (VCV004827104.1).